The following is an entry in ClinVar:

ClinVar aggregate classification (germline): Uncertain significance. Review status: criteria provided, multiple submitters, no conflicts (2 of 4 stars). 3 submissions from 3 submitters: Uncertain significance (3). Last evaluated 2024-05-30.

Conditions:
Cardiomyopathy (CMYO). Also called: Cardiomyopathies. Identifiers: Orphanet 167848, MedGen C0878544, MONDO:0004994, HP:0001638. Inheritance: Various modes of inheritance.

Allele frequency attached by ClinVar (database versions not stated): gnomAD exomes below 0.00001.
gnomAD v4.1: 4 of 1,614,202 alleles (0.00025%); highest among the groups gnomAD compares: Admixed American, 0.0017%; no homozygotes.

Submissions (3):

All of Us Research Program, National Institutes of Health
Classification: Uncertain significance for Cardiomyopathy. Last evaluated: 2024-05-30. Review status: criteria provided, single submitter. Criteria: ACMG Guidelines, 2015. Collection method: clinical testing. Allele origin: germline. Inheritance: Autosomal dominant inheritance. Observed: 1 variant allele, 1 heterozygote.
Comment: This missense variant replaces tyrosine with cysteine at codon 1488 of the MYH7 protein. Computational prediction tools indicate that this variant has a deleterious impact on protein structure and function. To our knowledge, functional studies have not been reported for this variant. This variant has been reported in one individual affected with left ventricular noncompaction cardiomyopathy (PMID: 20530761, 29447731, 31771441). This variant has not been identified in the general population by the Genome Aggregation Database (gnomAD). The available evidence is insufficient to determine the role of this variant in disease conclusively. Therefore, this variant is classified as a Variant of Uncertain Significance.

This study involves interpretation of variants in research participants for the purpose of population health screening. Participant phenotype was not available at the time of variant classification. Additional details can be found in publication PMID: 35346344, PMCID: PMC8962531

Color Diagnostics, LLC DBA Color Health
Classification: Uncertain significance for Cardiomyopathy. Last evaluated: 2024-05-14. Review status: criteria provided, single submitter. Criteria: ACMG Guidelines, 2015. Collection method: clinical testing. Allele origin: germline.
Comment: This missense variant replaces tyrosine with cysteine at codon 1488 of the MYH7 protein. Computational prediction tools indicate that this variant has a deleterious impact on protein structure and function. To our knowledge, functional studies have not been reported for this variant. This variant has been reported in one individual affected with left ventricular noncompaction cardiomyopathy (PMID: 20530761, 29447731, 31771441). This variant has not been identified in the general population by the Genome Aggregation Database (gnomAD). The available evidence is insufficient to determine the role of this variant in disease conclusively. Therefore, this variant is classified as a Variant of Uncertain Significance.

Women's Health and Genetics/Laboratory Corporation of America, LabCorp
Classification: Uncertain significance. Last evaluated: 2022-06-17. Review status: criteria provided, single submitter. Criteria: LabCorp Variant Classification Summary - May 2015. Collection method: clinical testing. Allele origin: germline.
Comment: Variant summary: MYH7 c.4463A>G (p.Tyr1488Cys) results in a non-conservative amino acid change located in the myosin tail domain (IPR002928) of the encoded protein sequence. Four of five in-silico tools predict a damaging effect of the variant on protein function. The variant was absent in 251492 control chromosomes (gnomAD). The available data on variant occurrences in the general population are insufficient to allow any conclusion about variant significance. c.4463A>G has been reported in the literature in an individual affected with Left Ventricular Noncompaction, however one of the proband's son also inherited the variant, but was unaffected (Hoedemaekers_2010). To our knowledge, no experimental evidence demonstrating an impact on protein function has been reported. One clinical diagnostic laboratory has submitted clinical-significance assessments for this variant to ClinVar after 2014 and classified the variant as uncertain significance. Based on the evidence outlined above, the variant was classified as uncertain significance.

Literature cited by the submitters: PubMed 20530761 (cited by 3 submitters); PubMed 29447731 (cited by 3 submitters); PubMed 31771441 (cited by 3 submitters); PubMed 27066506 (cited by Women's Health and Genetics/Laboratory Corporation of America, LabCorp); PubMed 34819141 (cited by Women's Health and Genetics/Laboratory Corporation of America, LabCorp).

NM_000257.4(MYH7):c.4463A>G (p.Tyr1488Cys)

Genes: MHRT (myosin heavy chain associated RNA transcript; plus strand), MYH7 (myosin heavy chain 7; minus strand). Cytogenetic location: 14q11.2.
Variant type: single nucleotide variant.
Coding change: c.4463A>G on transcript NM_000257.4 (MANE Select); coding-DNA position 4463, A replaced by G.
Protein change: p.Tyr1488Cys; replaces tyrosine 1488 with cysteine.
Molecular consequence: missense variant.
Genome position (GRCh38, 1-based): chr14:23,417,209, T>C on the plus strand (A>G on the coding strand, the complement: MYH7 is on the minus strand). VCF-style: chr14-23417209-T-C. GRCh37 (hg19) VCF-style: chr14-23886418-T-C.
Other names: short protein forms Y1488C.
Identifiers: ClinVar variation 920179 (VCV000920179.6), dbSNP rs948329167, ClinGen allele CA257811660.
Genomic context (GRCh38, chr14:23,417,209, plus strand): 5'-ACACCCTGCAGGTTTTTGTTCTCCCGCTTGAAGGTCTCCAGATGTTCCAGGGACTCCTCA[T>C]AGGCGTTCTTGAGTTTGAAGAGCTCTGTGCTGAGGGAGCGAGCCTCCTTCTGCGAGGACT-3'
Protein context (NP_000248.2, residues 1478-1498): STELFKLKNA[Tyr1488Cys]EESLEHLETF